The following is an entry in ClinVar:

ClinVar aggregate classification (germline): Likely benign. Review status: criteria provided, single submitter (1 of 4 stars). 2 submissions from 2 submitters: Likely benign (1). 1 of the submissions does not count toward it. Last evaluated 2023-01-17.

Conditions:
CHAT-related disorder. Also called: CHAT-related condition.
Familial infantile myasthenia (CMS6). Also called: MYASTHENIC SYNDROME, PRESYNAPTIC, CONGENITAL, ASSOCIATED WITH EPISODIC APNEA; Congenital myasthenic syndrome type 6; MYASTHENIC SYNDROME, CONGENITAL, 6, PRESYNAPTIC. Identifiers: Orphanet 590, MedGen C0393929, MONDO:0009689, OMIM 254210.

Allele frequency attached by ClinVar (database versions not stated): gnomAD exomes below 0.00001.
gnomAD v4.1: 1 of 1,613,952 alleles (0.000062%); highest among the groups gnomAD compares: Admixed American, 0.0017%; no homozygotes.

Submissions (2):

Labcorp Genetics (formerly Invitae), Labcorp
Classification: Likely benign for Familial infantile myasthenia. Last evaluated: 2023-01-17. Review status: criteria provided, single submitter. Criteria: Invitae Variant Classification Sherloc (09022015). Collection method: clinical testing. Allele origin: germline.

PreventionGenetics, part of Exact Sciences
Classification: Likely benign for CHAT-related condition. Last evaluated: 2023-10-02. Review status: no assertion criteria provided. Collection method: clinical testing. Allele origin: germline. Not counted in ClinVar's aggregate classification.
Comment: This variant is classified as likely benign based on ACMG/AMP sequence variant interpretation guidelines (Richards et al. 2015 PMID: 25741868, with internal and published modifications).

NM_020549.5(CHAT):c.1347C>T (p.Val449=)

Gene: CHAT (choline O-acetyltransferase; plus strand). Cytogenetic location: 10q11.23.
Variant type: single nucleotide variant.
Coding change: c.1347C>T on transcript NM_020549.5 (MANE Select); coding-DNA position 1347, C replaced by T.
Protein change: p.Val449=; no amino-acid change (valine 449 retained).
Molecular consequence: synonymous variant.
Genome position (GRCh38, 1-based): chr10:49,648,572, C>T. VCF-style: chr10-49648572-C-T. GRCh37 (hg19) VCF-style: chr10-50856618-C-T.
Other names: c.1347C>T (NM_020549.4); c.993C>T, p.Val331= (NM_001142929.2, NM_001142934.2, NM_020984.4 and 2 more transcripts); c.1101C>T, p.Val367= (NM_001142933.2).
Identifiers: ClinVar variation 2958098 (VCV002958098.5), dbSNP rs1055036701, ClinGen allele CA206638323.
Genomic context (GRCh38, chr10:49,648,572, plus strand): 5'-GGTGGGCCGAGACGGCACCTGCGGTGTGGTGTGCGAACACTCCCCATTCGATGGCATCGT[C>T]CTGGTGCAGTGCACTGAGCATCTGCTCAAGCACGTGTGAGTCTGGATCCCAGGGCTGCCA-3'
Protein context (NP_065574.4, residues 439-459): VCEHSPFDGI[Val449=]LVQCTEHLLK